The following is an entry in ClinVar:

ClinVar aggregate classification (germline): Uncertain significance (1 of 4 stars; one submission).

Conditions:
Autosomal recessive mendelian susceptibility to mycobacterial diseases due to complete RORgamma receptor deficiency. Also called: Immunodeficiency 42. Identifiers: Orphanet 477857, MedGen C5567647, MONDO:0014710, OMIM 616622.

Allele frequency attached by ClinVar (database versions not stated): gnomAD exomes below 0.00001; gnomAD 0.00001.
gnomAD v4.1: 2 of 1,601,662 alleles (0.00012%); highest among the groups gnomAD compares: Non-Finnish European, 0.000085%; no homozygotes.

Submission:

Labcorp Genetics (formerly Invitae), Labcorp
Classification: Uncertain significance for Autosomal recessive mendelian susceptibility to mycobacterial diseases due to complete RORgamma receptor deficiency. Last evaluated: 2021-10-22. Review status: criteria provided, single submitter. Criteria: Invitae Variant Classification Sherloc (09022015). Collection method: clinical testing. Allele origin: germline.
Comment: This sequence change replaces arginine with glutamine at codon 80 of the RORC protein (p.Arg80Gln). The arginine residue is highly conserved and there is a small physicochemical difference between arginine and glutamine. This variant is not present in population databases (ExAC no frequency). This variant has not been reported in the literature in individuals affected with RORC-related conditions. Algorithms developed to predict the effect of missense changes on protein structure and function are either unavailable or do not agree on the potential impact of this missense change (SIFT: "Deleterious"; PolyPhen-2: "Probably Damaging"; Align-GVGD: "Class C0"). In summary, the available evidence is currently insufficient to determine the role of this variant in disease. Therefore, it has been classified as a Variant of Uncertain Significance.

NM_005060.4(RORC):c.239G>A (p.Arg80Gln)

Gene: RORC (RAR related orphan receptor C; minus strand). Cytogenetic location: 1q21.3.
Variant type: single nucleotide variant.
Coding change: c.239G>A on transcript NM_005060.4 (MANE Select); coding-DNA position 239, G replaced by A.
Protein change: p.Arg80Gln; replaces arginine 80 with glutamine.
Molecular consequence: missense variant.
Genome position (GRCh38, 1-based): chr1:151,816,723, C>T on the plus strand (G>A on the coding strand, the complement: RORC is on the minus strand). VCF-style: chr1-151816723-C-T. GRCh37 (hg19) VCF-style: chr1-151789199-C-T.
Other names: c.176G>A, p.Arg59Gln (NM_001001523.2); short protein forms R80Q, R59Q.
Identifiers: ClinVar variation 1428708 (VCV001428708.3), dbSNP rs1651766753, ClinGen allele CA342019230.